The following is an entry in ClinVar:

ClinVar aggregate classification (germline): Uncertain significance. Review status: criteria provided, multiple submitters, no conflicts (2 of 4 stars). 2 submissions from 2 submitters: Uncertain significance (2). Last evaluated 2024-12-24.

Conditions:
Inborn genetic diseases. Identifiers: MedGen C0950123, MeSH D030342.

Allele frequency attached by ClinVar (database versions not stated): gnomAD exomes below 0.00001; ExAC 0.00002; gnomAD 0.00004.
gnomAD v4.1: 7 of 1,612,790 alleles (0.00043%); highest among the groups gnomAD compares: African/African-American, 0.008%; no homozygotes.

Submissions (2):

Labcorp Genetics (formerly Invitae), Labcorp
Classification: Uncertain significance. Last evaluated: 2024-12-24. Review status: criteria provided, single submitter. Criteria: Invitae Variant Classification Sherloc (09022015). Collection method: clinical testing. Allele origin: germline.
Comment: This sequence change replaces asparagine, which is neutral and polar, with tyrosine, which is neutral and polar, at codon 602 of the ERCC6L2 protein (p.Asn602Tyr). This variant is present in population databases (rs758443571, gnomAD 0.02%). This variant has not been reported in the literature in individuals affected with ERCC6L2-related conditions. ClinVar contains an entry for this variant (Variation ID: 3020261). Experimental studies and prediction algorithms are not available or were not evaluated, and the functional significance of this variant is currently unknown. In summary, the available evidence is currently insufficient to determine the role of this variant in disease. Therefore, it has been classified as a Variant of Uncertain Significance.

Ambry Genetics
Classification: Uncertain significance for Inborn genetic diseases. Last evaluated: 2024-12-13. Review status: criteria provided, single submitter. Criteria: Ambry Variant Classification Scheme 2023. Collection method: clinical testing. Allele origin: germline.
Comment: The p.N591Y variant (also known as c.1771A>T), located in coding exon 12 of the ERCC6L2 gene, results from an A to T substitution at nucleotide position 1771. The asparagine at codon 591 is replaced by tyrosine, an amino acid with dissimilar properties. This amino acid position is conserved. In addition, this alteration is predicted to be deleterious by in silico analysis. Based on the available evidence, the clinical significance of this variant remains unclear.

NM_020207.7(ERCC6L2):c.1771A>T (p.Asn591Tyr)

Gene: ERCC6L2 (ERCC excision repair 6 like 2; plus strand). Cytogenetic location: 9q22.32.
Variant type: single nucleotide variant.
Coding change: c.1771A>T on transcript NM_020207.7 (MANE Select); coding-DNA position 1771, A replaced by T.
Protein change: p.Asn591Tyr; replaces asparagine 591 with tyrosine.
Molecular consequence: missense variant. On other transcripts: non-coding transcript variant (1).
Genome position (GRCh38, 1-based): chr9:95,941,473, A>T. VCF-style: chr9-95941473-A-T. GRCh37 (hg19) VCF-style: chr9-98703755-A-T.
Other names: c.1771A>T, p.Asn591Tyr (NM_001010895.4, NM_001375291.1, NM_001375292.1 and 2 more transcripts); short protein forms N591Y.
Identifiers: ClinVar variation 3020261 (VCV003020261.3), dbSNP rs758443571, ClinGen allele CA5139683.
Genomic context (GRCh38, chr9:95,941,473, plus strand): 5'-TTGCTGTTCTAATGTGCTTTTTTTTTTTCTCTTTCCTCCAGGGCTGGTGGACTAGGCCTC[A>T]ATTTTGTCGGTGCCAATGTTGTTGTATTATTTGATCCTACTTGGAATCCAGCCAATGATC-3'
Protein context (NP_064592.3, residues 581-601): VSTMAGGLGL[Asn591Tyr]FVGANVVVLF